The following is an entry in ClinVar:

NM_020987.5(ANK3):c.8713C>T (p.Arg2905Cys)

Gene: ANK3 (ankyrin 3; minus strand). Cytogenetic location: 10q21.2.
Variant type: single nucleotide variant.
Coding change: c.8713C>T on transcript NM_020987.5 (MANE Select); coding-DNA position 8713, C replaced by T.
Protein change: p.Arg2905Cys; replaces arginine 2905 with cysteine.
Molecular consequence: missense variant. On other transcripts: intron variant (4).
Genome position (GRCh38, 1-based): chr10:60,072,168, G>A on the plus strand (C>T on the coding strand, the complement: ANK3 is on the minus strand). VCF-style: chr10-60072168-G-A. GRCh37 (hg19) VCF-style: chr10-61831926-G-A.
Other names: c.4388-4159C>T (NM_001204403.2); c.4409-4159C>T (NM_001204404.2); c.4406-4159C>T (NM_001320874.2); c.1808-4159C>T (NM_001149.4); short protein forms R2905C.
Identifiers: ClinVar variation 1428350 (VCV001428350.6), dbSNP rs757636476, ClinGen allele CA5511502.

ClinVar aggregate classification (germline): Uncertain significance (1 of 4 stars; one submission).

Allele frequency attached by ClinVar (database versions not stated): ExAC 0.00001; gnomAD 0.00006 and 0.00007.
gnomAD v4.1: 62 of 1,613,586 alleles (0.0038%); highest among the groups gnomAD compares: Middle Eastern, 0.016%; no homozygotes.

Submission:

Labcorp Genetics (formerly Invitae), Labcorp
Classification: Uncertain significance. Last evaluated: 2025-12-22. Review status: criteria provided, single submitter. Criteria: Invitae Variant Classification Sherloc (09022015). Collection method: clinical testing. Allele origin: germline.
Comment: This sequence change replaces arginine, which is basic and polar, with cysteine, which is neutral and slightly polar, at codon 2905 of the ANK3 protein (p.Arg2905Cys). This variant is present in population databases (rs757636476, gnomAD 0.006%). This variant has not been reported in the literature in individuals affected with ANK3-related conditions. ClinVar contains an entry for this variant (Variation ID: 1428350). An algorithm developed to predict the effect of missense changes on protein structure and function (PolyPhen-2) suggests that this variant is likely to be tolerated. In summary, the available evidence is currently insufficient to determine the role of this variant in disease. Therefore, it has been classified as a Variant of Uncertain Significance.